The following is an entry in ClinVar:

NM_000310.3(PPT1):c.-29C>G

Gene: PPT1 (palmitoyl-protein thioesterase 1; minus strand). Cytogenetic location: 1p34.2.
Variant type: single nucleotide variant.
Coding change: c.-29C>G on transcript NM_000310.3; 29 bases upstream of the start codon, C replaced by G.
Genome position (GRCh38, 1-based): chr1:40,097,267, G>C on the plus strand (C>G on the coding strand, the complement: PPT1 is on the minus strand). VCF-style: chr1-40097267-G-C. GRCh37 (hg19) VCF-style: chr1-40562939-G-C.
Identifiers: ClinVar variation 138800 (VCV000138800.3), dbSNP rs587781125, ClinGen allele CA292909.

ClinVar aggregate classification (germline): Benign (1 of 4 stars; one submission).

Allele frequency attached by ClinVar (database versions not stated): ExAC 0.00002; gnomAD exomes 0.00003; gnomAD 0.00003; TOPMed 0.00003.

Submission:

GeneDx
Classification: Benign. Last evaluated: 2014-05-13. Review status: criteria provided, single submitter. Criteria: GeneDx Variant Classification (06012015). Collection method: clinical testing. Allele origin: germline. Affected: yes.
Comment: This variant is considered likely benign or benign based on one or more of the following criteria: it is a conservative change, it occurs at a poorly conserved position in the protein, it is predicted to be benign by multiple in silico algorithms, and/or has population frequency not consistent with disease.